The following is an entry in ClinVar:

NM_012431.3(SEMA3E):c.321G>A (p.Met107Ile)

Gene: SEMA3E (semaphorin 3E; minus strand). Cytogenetic location: 7q21.11.
Variant type: single nucleotide variant.
Coding change: c.321G>A on transcript NM_012431.3 (MANE Select); coding-DNA position 321, G replaced by A.
Protein change: p.Met107Ile; replaces methionine 107 with isoleucine.
Molecular consequence: missense variant.
Genome position (GRCh38, 1-based): chr7:83,469,258, C>T on the plus strand (G>A on the coding strand, the complement: SEMA3E is on the minus strand). VCF-style: chr7-83469258-C-T. GRCh37 (hg19) VCF-style: chr7-83098574-C-T.
Other names: c.141G>A, p.Met47Ile (NM_001178129.2); short protein forms M107I, M47I.
Identifiers: ClinVar variation 844283 (VCV000844283.10), dbSNP rs1789839857, ClinGen allele CA367936105.

ClinVar aggregate classification (germline): Uncertain significance. Review status: criteria provided, multiple submitters, no conflicts (2 of 4 stars). 2 submissions from 2 submitters: Uncertain significance (2). Last evaluated 2025-06-12.

Conditions:
SEMA3E-related disorder. Also called: SEMA3E-related condition.
CHARGE syndrome (CHARGE). Also called: CHARGE ASSOCIATION--COLOBOMA, HEART ANOMALY, CHOANAL ATRESIA, RETARDATION, GENITAL AND EAR ANOMALIES; Coloboma, heart anomaly, choanal atresia, retardation, genital and ear anomalies; CHARGE association; Hall-Hittner syndrome; Hittner Hirsch Kreh syndrome. Identifiers: Orphanet 138, MedGen C0265354, MONDO:0008965.

Allele frequency attached by ClinVar (database versions not stated): gnomAD exomes below 0.00001; gnomAD 0.00001.

Submissions (2):

Labcorp Genetics (formerly Invitae), Labcorp
Classification: Uncertain significance for CHARGE syndrome. Last evaluated: 2025-06-12. Review status: criteria provided, single submitter. Criteria: Invitae Variant Classification Sherloc (09022015). Collection method: clinical testing. Allele origin: germline.
Comment: This sequence change replaces methionine, which is neutral and non-polar, with isoleucine, which is neutral and non-polar, at codon 107 of the SEMA3E protein (p.Met107Ile). This variant is not present in population databases (gnomAD no frequency). This variant has not been reported in the literature in individuals affected with SEMA3E-related conditions. ClinVar contains an entry for this variant (Variation ID: 844283). Invitae Evidence Modeling of protein sequence and biophysical properties (such as structural, functional, and spatial information, amino acid conservation, physicochemical variation, residue mobility, and thermodynamic stability) indicates that this missense variant is not expected to disrupt SEMA3E protein function with a negative predictive value of 80%. In summary, the available evidence is currently insufficient to determine the role of this variant in disease. Therefore, it has been classified as a Variant of Uncertain Significance.

PreventionGenetics, part of Exact Sciences
Classification: Uncertain significance for SEMA3E-related condition. Last evaluated: 2024-12-09. Review status: criteria provided, single submitter. Criteria: ACMG Guidelines, 2015. Collection method: clinical testing. Allele origin: germline.
Comment: The SEMA3E c.321G>A variant is predicted to result in the amino acid substitution p.Met107Ile. To our knowledge, this variant has not been reported in the literature or in a large population database (gnomAD), indicating this variant is rare. At this time, the clinical significance of this variant is uncertain due to the absence of conclusive functional and genetic evidence.